The following is an entry in ClinVar:

ClinVar aggregate classification (germline): Likely benign (1 of 4 stars; one submission).

Allele frequency attached by ClinVar (database versions not stated): TOPMed 0.00024; gnomAD 0.00025; ExAC 0.00037; ESP Exome Variant Server 0.00041.
gnomAD v4.1: 396 of 1,608,646 alleles (0.025%); highest among the groups gnomAD compares: Non-Finnish European, 0.018%; no homozygotes.

Submission:

CeGaT Center for Human Genetics Tuebingen
Classification: Likely benign. Last evaluated: 2026-02-01. Review status: criteria provided, single submitter. Criteria: CeGaT Center For Human Genetics Tuebingen Variant Classification Criteria Version 2. Collection method: clinical testing. Allele origin: germline. Affected: yes. Observed: 5 variant alleles.
Comment: INTS1: BP4, BP7

NM_001080453.3(INTS1):c.816G>A (p.Ala272=)

Gene: INTS1 (integrator complex subunit 1; minus strand). Cytogenetic location: 7p22.3.
Variant type: single nucleotide variant.
Coding change: c.816G>A on transcript NM_001080453.3 (MANE Select); coding-DNA position 816, G replaced by A.
Protein change: p.Ala272=; no amino-acid change (alanine 272 retained).
Molecular consequence: synonymous variant.
Genome position (GRCh38, 1-based): chr7:1,499,501, C>T on the plus strand (G>A on the coding strand, the complement: INTS1 is on the minus strand). VCF-style: chr7-1499501-C-T. GRCh37 (hg19) VCF-style: chr7-1539137-C-T.
Identifiers: ClinVar variation 2657216 (VCV002657216.24), dbSNP rs374291920, ClinGen allele CA4120637.
Genomic context (GRCh38, chr7:1,499,501, plus strand): 5'-ACCCGCCCTCTCTGGCTGGCCGTGTGTCTCACCTGCACCCAGGTCGCCCGCAACGCGGCC[C>T]GCCTCCCCCTGCAGCAGCACGCTCCTGGGGGGCATTCTGGTGTTGAAGGCCGTCTGGATG-3'
Protein context (NP_001073922.2, residues 262-282): PPRSVLLQGE[Ala272=]GRVAGDLGAG